The following is an entry in ClinVar:

ClinVar aggregate classification (germline): Uncertain significance. Review status: criteria provided, multiple submitters, no conflicts (2 of 4 stars). 3 submissions from 3 submitters: Uncertain significance (3). Last evaluated 2025-12-08.

Conditions:
Hereditary cancer-predisposing syndrome. Also called: Neoplastic Syndromes, Hereditary; Tumor predisposition; Hereditary Cancer Syndrome; Hereditary neoplastic syndrome. Identifiers: Orphanet 140162, MedGen C0027672, MeSH D009386, MONDO:0015356.
Familial cancer of breast. Also called: BREAST CANCER, FAMILIAL; hereditary breast carcinoma; Hereditary breast cancer. Identifiers: Orphanet 227535, MedGen C0346153, MONDO:0016419, OMIM 114480. Disease mechanism: loss of function.

Submissions (3):

Labcorp Genetics (formerly Invitae), Labcorp
Classification: Uncertain significance for Familial cancer of breast. Last evaluated: 2025-12-08. Review status: criteria provided, single submitter. Criteria: Invitae Variant Classification Sherloc (09022015). Collection method: clinical testing. Allele origin: germline.
Comment: This sequence change replaces threonine, which is neutral and polar, with isoleucine, which is neutral and non-polar, at codon 88 of the BARD1 protein (p.Thr88Ile). This variant is not present in population databases (gnomAD no frequency). This variant has not been reported in the literature in individuals affected with BARD1-related conditions. ClinVar contains an entry for this variant (Variation ID: 231778). An algorithm developed to predict the effect of missense changes on protein structure and function (PolyPhen-2) suggests that this variant is likely to be disruptive. In summary, the available evidence is currently insufficient to determine the role of this variant in disease. Therefore, it has been classified as a Variant of Uncertain Significance.

Baylor Genetics
Classification: Uncertain significance for Familial cancer of breast. Last evaluated: 2023-10-03. Review status: criteria provided, single submitter. Criteria: ACMG Guidelines, 2015. Collection method: clinical testing. Allele origin: unknown.

Ambry Genetics
Classification: Uncertain significance for Hereditary cancer-predisposing syndrome. Last evaluated: 2019-12-05. Review status: criteria provided, single submitter. Criteria: Ambry Variant Classification Scheme 2023. Collection method: clinical testing. Allele origin: germline.
Comment: The p.T88I variant (also known as c.263C>T), located in coding exon 3 of the BARD1 gene, results from a C to T substitution at nucleotide position 263. The threonine at codon 88 is replaced by isoleucine, an amino acid with similar properties. This amino acid position is well conserved in available vertebrate species. In addition, the in silico prediction for this alteration is inconclusive. Since supporting evidence is limited at this time, the clinical significance of this alteration remains unclear.

NM_000465.4(BARD1):c.263C>T (p.Thr88Ile)

Gene: BARD1 (BRCA1 associated RING domain 1; minus strand). Cytogenetic location: 2q35.
Variant type: single nucleotide variant.
Coding change: c.263C>T on transcript NM_000465.4 (MANE Select); coding-DNA position 263, C replaced by T.
Protein change: p.Thr88Ile; replaces threonine 88 with isoleucine.
Molecular consequence: missense variant. On other transcripts: non-coding transcript variant (1), intron variant (2).
Genome position (GRCh38, 1-based): chr2:214,792,398, G>A on the plus strand (C>T on the coding strand, the complement: BARD1 is on the minus strand). VCF-style: chr2-214792398-G-A. GRCh37 (hg19) VCF-style: chr2-215657122-G-A.
Other names: c.206C>T, p.Thr69Ile (NM_001282543.2); c.263C>T, p.Thr88Ile (NM_001282549.2); c.158+17014C>T (NM_001282548.2); c.215+4663C>T (NM_001282545.2); short protein forms T88I, T69I.
Identifiers: ClinVar variation 231778 (VCV000231778.16), dbSNP rs876659356, ClinGen allele CA10577854.
Genomic context (GRCh38, chr2:214,792,398, plus strand): 5'-CAAAGTTGAATCATGCTGTCCAGTTGTCTATTTATCTTCAAGTCTTGTATCCAGGCCGGG[G>A]TGTAACACACTGGACATCCAGTTCCAATGCAGTCACTTACACAATTACTTTAAAATAATT-3'
Protein context (NP_000456.2, residues 78-98): CIGTGCPVCY[Thr88Ile]PAWIQDLKIN